The following is an entry in ClinVar:

ClinVar aggregate classification (germline): Benign. Review status: criteria provided, multiple submitters, no conflicts (2 of 4 stars). 2 submissions from 2 submitters: Benign (2). Last evaluated 2018-06-14.

Allele frequency attached by ClinVar (database versions not stated): 1000 Genomes Project 0.36002; 1000 Genomes Project 30x 0.36274; gnomAD exomes 0.38333; gnomAD 0.40148 and 0.40468; TOPMed 0.40182.
gnomAD v4.1: 459,360 of 1,190,670 alleles (39%); highest among the groups gnomAD compares: African/African-American, 47%; 90,860 homozygotes.

Submissions (2):

GeneDx
Classification: Benign. Last evaluated: 2018-06-14. Review status: criteria provided, single submitter. Criteria: GeneDx Variant Classification (06012015). Collection method: clinical testing. Allele origin: germline. Affected: yes.
Comment: This variant is considered likely benign or benign based on one or more of the following criteria: it is a conservative change, it occurs at a poorly conserved position in the protein, it is predicted to be benign by multiple in silico algorithms, and/or has population frequency not consistent with disease.

Breakthrough Genomics
Classification: Benign. Review status: criteria provided, single submitter. Criteria: ACMG Guidelines, 2015. Collection method: not provided. Allele origin: germline. Inheritance: Autosomal dominant inheritance. Affected: yes.

NM_005751.5(AKAP9):c.5602-117A>G

Gene: AKAP9 (A-kinase anchoring protein 9; plus strand). Cytogenetic location: 7q21.2.
Variant type: single nucleotide variant.
Coding change: c.5602-117A>G on transcript NM_005751.5 (MANE Select); 117 bases into the intron before coding-DNA position 5602, A replaced by G.
Molecular consequence: intron variant.
Genome position (GRCh38, 1-based): chr7:92,061,143, A>G. VCF-style: chr7-92061143-A-G. GRCh37 (hg19) VCF-style: chr7-91690457-A-G.
Other names: c.5602-117A>G (NM_147185.3); c.247-117A>G (NM_001379277.1).
Identifiers: ClinVar variation 671872 (VCV000671872.2), dbSNP rs56072181, ClinGen allele CA15496464.
Genomic context (GRCh38, chr7:92,061,143, plus strand): 5'-GTCTCCTCTGATTTCTCCTACCTGCTAATCTTAGCATACACTGGCAATATCTAAATGACT[A>G]CAATTCAGTAGTATATCTTTATTTTAAAATCCTCCTTTTTTCCAGCTTTAATAGGGAATG-3'